The following is an entry in ClinVar:

ClinVar aggregate classification (germline): Uncertain significance. Review status: criteria provided, multiple submitters, no conflicts (2 of 4 stars). 2 submissions from 2 submitters: Uncertain significance (2). Last evaluated 2024-12-20.

Conditions:
Hereditary cancer-predisposing syndrome. Also called: Neoplastic Syndromes, Hereditary; Tumor predisposition; Hereditary Cancer Syndrome; Hereditary neoplastic syndrome. Identifiers: Orphanet 140162, MedGen C0027672, MeSH D009386, MONDO:0015356.
Fanconi anemia complementation group J. Also called: BRIP1-Related Fanconi Anemia. Identifiers: Orphanet 84, MedGen C1836860, MONDO:0012187, OMIM 609054.
Familial cancer of breast. Also called: Hereditary breast cancer; BREAST CANCER, FAMILIAL; hereditary breast carcinoma. Identifiers: Orphanet 227535, MedGen C0346153, MONDO:0016419, OMIM 114480. Disease mechanism: loss of function.

Submissions (2):

Ambry Genetics
Classification: Uncertain significance for Hereditary cancer-predisposing syndrome. Last evaluated: 2024-12-20. Review status: criteria provided, single submitter. Criteria: Ambry Variant Classification Scheme 2023. Collection method: clinical testing. Allele origin: germline.
Comment: The p.D838V variant (also known as c.2513A>T), located in coding exon 17 of the BRIP1 gene, results from an A to T substitution at nucleotide position 2513. The aspartic acid at codon 838 is replaced by valine, an amino acid with highly dissimilar properties. This amino acid position is highly conserved in available vertebrate species. In addition, this alteration is predicted to be deleterious by in silico analysis. Based on the available evidence, the clinical significance of this variant remains unclear.

Labcorp Genetics (formerly Invitae), Labcorp
Classification: Uncertain significance for Familial cancer of breast; Fanconi anemia complementation group J. Last evaluated: 2024-02-15. Review status: criteria provided, single submitter. Criteria: Invitae Variant Classification Sherloc (09022015). Collection method: clinical testing. Allele origin: germline.
Comment: This sequence change replaces aspartic acid, which is acidic and polar, with valine, which is neutral and non-polar, at codon 838 of the BRIP1 protein (p.Asp838Val). This variant is not present in population databases (gnomAD no frequency). This variant has not been reported in the literature in individuals affected with BRIP1-related conditions. ClinVar contains an entry for this variant (Variation ID: 568769). Advanced modeling of protein sequence and biophysical properties (such as structural, functional, and spatial information, amino acid conservation, physicochemical variation, residue mobility, and thermodynamic stability) performed at Invitae indicates that this missense variant is expected to disrupt BRIP1 protein function with a positive predictive value of 80%. In summary, the available evidence is currently insufficient to determine the role of this variant in disease. Therefore, it has been classified as a Variant of Uncertain Significance.

NM_032043.3(BRIP1):c.2513A>T (p.Asp838Val)

Gene: BRIP1 (BRCA1 interacting DNA helicase 1; minus strand). Cytogenetic location: 17q23.2.
Variant type: single nucleotide variant.
Coding change: c.2513A>T on transcript NM_032043.3 (MANE Select); coding-DNA position 2513, A replaced by T.
Protein change: p.Asp838Val; replaces aspartic acid 838 with valine.
Molecular consequence: missense variant.
Genome position (GRCh38, 1-based): chr17:61,693,492, T>A on the plus strand (A>T on the coding strand, the complement: BRIP1 is on the minus strand). VCF-style: chr17-61693492-T-A. GRCh37 (hg19) VCF-style: chr17-59770853-T-A.
Other names: short protein forms D838V.
Identifiers: ClinVar variation 568769 (VCV000568769.10), dbSNP rs1567737801, ClinGen allele CA400482464.